The following is an entry in ClinVar:

NM_001130965.3(SUN1):c.719C>T (p.Thr240Met)

Gene: SUN1 (Sad1 and UNC84 domain containing 1; plus strand). Cytogenetic location: 7p22.3.
Variant type: single nucleotide variant.
Coding change: c.719C>T on transcript NM_001130965.3 (MANE Select); coding-DNA position 719, C replaced by T.
Protein change: p.Thr240Met; replaces threonine 240 with methionine.
Molecular consequence: missense variant. On other transcripts: non-coding transcript variant (3), intron variant (12), synonymous variant (1).
Genome position (GRCh38, 1-based): chr7:851,444, C>T. VCF-style: chr7-851444-C-T. GRCh37 (hg19) VCF-style: chr7-891081-C-T.
Other names: c.1001C>T, p.Thr334Met (NM_001367682.1, NM_001367698.1, NM_001367641.1); c.803C>T, p.Thr268Met (NM_001367683.1, NM_001367688.1); c.878C>T, p.Thr293Met (NM_001367684.1); c.680C>T, p.Thr227Met (NM_001367689.1, NM_001367679.1, NM_001367645.1 and 1 more transcripts); c.962C>T, p.Thr321Met (NM_001367691.1, NM_001367636.1, NM_001367655.1 and 1 more transcripts); c.830C>T, p.Thr277Met (NM_001367685.1, NM_001367696.1, NM_001367638.1 and 1 more transcripts); c.1112C>T, p.Thr371Met (NM_001367687.1, NM_001367678.1, NM_001367699.1 and 2 more transcripts); c.1028C>T, p.Thr343Met (NM_001367692.1, NM_001367677.1); and 24 more; short protein forms T218M, T240M, T255M, T284M, T305M, T51M, T88M, T190M.
Identifiers: ClinVar variation 4743308 (VCV004743308.1).

ClinVar aggregate classification (germline): Uncertain significance (1 of 4 stars; one submission).

Conditions:
Emery-Dreifuss muscular dystrophy (EDMD). Also called: Scapuloperoneal syndrome, X-linked (formerly); Humeroperoneal neuromuscular disease, (formerly). Identifiers: Orphanet 261, MedGen C0410189, MONDO:0016830.

Submission:

Labcorp Genetics (formerly Invitae), Labcorp
Classification: Uncertain significance for Emery-Dreifuss muscular dystrophy. Last evaluated: 2025-06-20. Review status: criteria provided, single submitter. Criteria: Invitae Variant Classification Sherloc (09022015). Collection method: clinical testing. Allele origin: germline.
Comment: This sequence change replaces threonine, which is neutral and polar, with methionine, which is neutral and non-polar, at codon 240 of the SUN1 protein (p.Thr240Met). The frequency data for this variant in the population databases is considered unreliable, as metrics indicate poor data quality at this position in the gnomAD database. This variant has not been reported in the literature in individuals affected with SUN1-related conditions. An algorithm developed to predict the effect of missense changes on protein structure and function outputs the following: PolyPhen-2: "Benign". The methionine amino acid residue is found in multiple mammalian species, which suggests that this missense change does not adversely affect protein function. In summary, the available evidence is currently insufficient to determine the role of this variant in disease. Therefore, it has been classified as a Variant of Uncertain Significance.